The following is an entry in ClinVar:

ClinVar aggregate classification (germline): Uncertain significance. Review status: criteria provided, multiple submitters, no conflicts (2 of 4 stars). 3 submissions from 3 submitters: Uncertain significance (3). Last evaluated 2025-11-24.

Conditions:
ADAR-related disorder. Also called: ADAR-related disorders; ADAR-related condition.
Symmetrical dyschromatosis of extremities (DSH). Also called: DYSCHROMATOSIS SYMMETRICA HEREDITARIA 1; Dyschromatosis symmetrica hereditaria; RETICULATE ACROPIGMENTATION OF DOHI; SYMMETRIC DYSCHROMATOSIS OF THE EXTREMITIES. Identifiers: Orphanet 41, MedGen C0406775, MONDO:0007483, OMIM 127400.
Aicardi-Goutieres syndrome 6 (AGS6). Identifiers: Orphanet 51, MedGen C3539013, MONDO:0014007, OMIM 615010.

Allele frequency attached by ClinVar (database versions not stated): ExAC 0.00001; gnomAD exomes 0.00001.
gnomAD v4.1: 7 of 1,613,818 alleles (0.00043%); highest among the groups gnomAD compares: Middle Eastern, 0.05%; no homozygotes.

Submissions (3):

Labcorp Genetics (formerly Invitae), Labcorp
Classification: Uncertain significance for Aicardi-Goutieres syndrome 6; Symmetrical dyschromatosis of extremities. Last evaluated: 2025-11-24. Review status: criteria provided, single submitter. Criteria: Invitae Variant Classification Sherloc (09022015). Collection method: clinical testing. Allele origin: germline.
Comment: This sequence change replaces isoleucine, which is neutral and non-polar, with valine, which is neutral and non-polar, at codon 1100 of the ADAR protein (p.Ile1100Val). This variant is present in population databases (rs778334248, gnomAD 0.0009%). This variant has not been reported in the literature in individuals affected with ADAR-related conditions. ClinVar contains an entry for this variant (Variation ID: 1060647). Invitae Evidence Modeling of protein sequence and biophysical properties (such as structural, functional, and spatial information, amino acid conservation, physicochemical variation, residue mobility, and thermodynamic stability) indicates that this missense variant is not expected to disrupt ADAR protein function with a negative predictive value of 80%. In summary, the available evidence is currently insufficient to determine the role of this variant in disease. Therefore, it has been classified as a Variant of Uncertain Significance.

PreventionGenetics, part of Exact Sciences
Classification: Uncertain significance for ADAR-related condition. Last evaluated: 2025-02-05. Review status: criteria provided, single submitter. Criteria: ACMG Guidelines, 2015. Collection method: clinical testing. Allele origin: germline.
Comment: The ADAR c.3298A>G variant is predicted to result in the amino acid substitution p.Ile1100Val. To our knowledge, this variant has not been reported in the literature. This variant is reported in 0.00088% of alleles in individuals of European (Non-Finnish) descent in gnomAD. At this time, the clinical significance of this variant is uncertain due to the absence of conclusive functional and genetic evidence.

Blueprint Genetics
Classification: Uncertain significance. Last evaluated: 2023-06-16. Review status: criteria provided, single submitter. Criteria: ACMG Guidelines, 2015. Collection method: clinical testing. Allele origin: germline.

NM_001111.5(ADAR):c.3298A>G (p.Ile1100Val)

Gene: ADAR (adenosine deaminase RNA specific; minus strand). Cytogenetic location: 1q21.3.
Variant type: single nucleotide variant.
Coding change: c.3298A>G on transcript NM_001111.5 (MANE Select); coding-DNA position 3298, A replaced by G.
Protein change: p.Ile1100Val; replaces isoleucine 1100 with valine.
Molecular consequence: missense variant.
Genome position (GRCh38, 1-based): chr1:154,585,770, T>C on the plus strand (A>G on the coding strand, the complement: ADAR is on the minus strand). VCF-style: chr1-154585770-T-C. GRCh37 (hg19) VCF-style: chr1-154558246-T-C.
Other names: c.2413A>G, p.Ile805Val (NM_001025107.3, NM_001193495.2, NM_001365046.1 and 2 more transcripts); c.3325A>G, p.Ile1109Val (NM_001365045.1); c.2335A>G, p.Ile779Val (NM_001365049.1); c.3220A>G, p.Ile1074Val (NM_015840.4); c.3163A>G, p.Ile1055Val (NM_015841.4); c.3298A>G (NM_001111.4); short protein forms I1055V, I1074V, I1100V, I1109V, I779V, I805V.
Identifiers: ClinVar variation 1060647 (VCV001060647.9), dbSNP rs778334248, ClinGen allele CA1130997.